The following is an entry in ClinVar:

NM_000127.3(EXT1):c.1814G>A (p.Arg605Gln)

Gene: EXT1 (exostosin glycosyltransferase 1; minus strand). Cytogenetic location: 8q24.11.
Variant type: single nucleotide variant.
Coding change: c.1814G>A on transcript NM_000127.3 (MANE Select); coding-DNA position 1814, G replaced by A.
Protein change: p.Arg605Gln; replaces arginine 605 with glutamine.
Molecular consequence: missense variant.
Genome position (GRCh38, 1-based): chr8:117,807,286, C>T on the plus strand (G>A on the coding strand, the complement: EXT1 is on the minus strand). VCF-style: chr8-117807286-C-T. GRCh37 (hg19) VCF-style: chr8-118819525-C-T.
Other names: short protein forms R605Q.
Identifiers: ClinVar variation 987979 (VCV000987979.7), dbSNP rs755747479, ClinGen allele CA371878203.

ClinVar aggregate classification (germline): Uncertain significance. Review status: criteria provided, single submitter (1 of 4 stars). 2 submissions from 2 submitters: Uncertain significance (1). 1 of the submissions does not count toward it. Last evaluated 2022-10-08.

Conditions:
Multiple congenital exostosis (EXT). Also called: Multiple osteochondromas; Hereditary multiple osteochondromas; MULTIPLE CARTILAGINOUS EXOSTOSES; Multiple exostoses; Hereditary multiple exostoses; Hereditary multiple exostosis. Identifiers: Orphanet 321, MedGen C0015306, MONDO:0005508, HP:0002762.
Malignant tumor of breast. Also called: Malignant breast neoplasm; Cancer breast. Identifiers: MedGen C0006142, MONDO:0007254. Disease mechanism: loss of function.

Allele frequency attached by ClinVar (database versions not stated): TOPMed below 0.00001.
gnomAD v4.1: 7 of 1,614,160 alleles (0.00043%); highest among the groups gnomAD compares: East Asian, 0.0022%; no homozygotes.

Submissions (2):

Labcorp Genetics (formerly Invitae), Labcorp
Classification: Uncertain significance for Multiple congenital exostosis. Last evaluated: 2022-10-08. Review status: criteria provided, single submitter. Criteria: Invitae Variant Classification Sherloc (09022015). Collection method: clinical testing. Allele origin: germline.
Comment: Advanced modeling of protein sequence and biophysical properties (such as structural, functional, and spatial information, amino acid conservation, physicochemical variation, residue mobility, and thermodynamic stability) performed at Invitae indicates that this missense variant is not expected to disrupt EXT1 protein function. ClinVar contains an entry for this variant (Variation ID: 987979). This variant has not been reported in the literature in individuals affected with EXT1-related conditions. This variant is not present in population databases (gnomAD no frequency). This sequence change replaces arginine, which is basic and polar, with glutamine, which is neutral and polar, at codon 605 of the EXT1 protein (p.Arg605Gln). In summary, the available evidence is currently insufficient to determine the role of this variant in disease. Therefore, it has been classified as a Variant of Uncertain Significance.

Center of Medical Genetics and Primary Health Care
Classification: Uncertain significance for Breast Cancer. Review status: no assertion criteria provided. Collection method: clinical testing. Allele origin: germline. Affected: yes. Not counted in ClinVar's aggregate classification.